The following is an entry in ClinVar:

NM_001038.6(SCNN1A):c.1987A>G (p.Thr663Ala)

Gene: SCNN1A (sodium channel epithelial 1 subunit alpha; minus strand). Cytogenetic location: 12p13.31.
Variant type: single nucleotide variant.
Coding change: c.1987A>G on transcript NM_001038.6 (MANE Select); coding-DNA position 1987, A replaced by G.
Protein change: p.Thr663Ala; replaces threonine 663 with alanine.
Molecular consequence: missense variant.
Genome position (GRCh38, 1-based): chr12:6,347,896, T>C on the plus strand (A>G on the coding strand, the complement: SCNN1A is on the minus strand). VCF-style: chr12-6347896-T-C. GRCh37 (hg19) VCF-style: chr12-6457062-T-C.
Other names: c.2056A>G, p.Thr686Ala (NM_001159575.2); c.2164A>G, p.Thr722Ala (NM_001159576.2); short protein forms T663A, T722A, T686A.
Identifiers: ClinVar variation 165164 (VCV000165164.33), dbSNP rs2228576, ClinGen allele CA177870.

ClinVar aggregate classification (germline): Benign. Review status: criteria provided, multiple submitters, no conflicts (2 of 4 stars). 15 submissions from 12 submitters: Benign (13). 2 of the submissions do not count toward it. Last evaluated 2026-02-04.

Conditions:
Liddle syndrome 3. Identifiers: MedGen C4748292, MONDO:0029132, OMIM 618126.
Bronchiectasis with or without elevated sweat chloride 2 (BESC2). Identifiers: Orphanet 60033, MedGen C2751666, MONDO:0013087, OMIM 613021.
Pseudohypoaldosteronism, type IB1, autosomal recessive. Also called: Pseudohypoaldosteronism, Type I, Autosomal Recessive; Pseudohypoaldosteronism, Type I, Recessive; PHA I, AUTOSOMAL RECESSIVE; Autosomal recessive pseudohypoaldosteronism type 1. Identifiers: Orphanet 171876, Orphanet 756, MedGen C5774176, MONDO:0009917, OMIM 264350.

Allele frequency attached by ClinVar (database versions not stated): 1000 Genomes Project 0.74062; gnomAD 0.74818 and 0.75229; 1000 Genomes Project 30x 0.74891; TOPMed 0.75257; ESP Exome Variant Server 0.76286.
gnomAD v4.1: 1,087,390 of 1,596,108 alleles (68%); highest among the groups gnomAD compares: African/African-American, 91%; 374,537 homozygotes.

Submissions (15):

Labcorp Genetics (formerly Invitae), Labcorp
Classification: Benign. Last evaluated: 2026-02-04. Review status: criteria provided, single submitter. Criteria: Invitae Variant Classification Sherloc (09022015). Collection method: clinical testing. Allele origin: germline.

Blueprint Genetics
Classification: Benign. Last evaluated: 2024-11-27. Review status: criteria provided, single submitter. Criteria: ACMG Guidelines, 2015. Collection method: clinical testing. Allele origin: germline.

Mayo Clinic Laboratories, Mayo Clinic
Classification: Benign. Last evaluated: 2022-10-04. Review status: criteria provided, single submitter. Criteria: ACMG Guidelines, 2015. Collection method: clinical testing. Allele origin: germline. Observed: 165 variant alleles.
Comment: BS1, BS2, BP4

Genome-Nilou Lab
Classification: Benign for Liddle syndrome 3. Last evaluated: 2021-07-15. Review status: criteria provided, single submitter. Criteria: ACMG Guidelines, 2015. Collection method: clinical testing. Allele origin: germline. Affected: no.

Genome-Nilou Lab
Classification: Benign for Bronchiectasis with or without elevated sweat chloride 2. Last evaluated: 2021-07-15. Review status: criteria provided, single submitter. Criteria: ACMG Guidelines, 2015. Collection method: clinical testing. Allele origin: germline. Affected: no.

Genome-Nilou Lab
Classification: Benign for Pseudohypoaldosteronism, type IB1, autosomal recessive. Last evaluated: 2021-07-15. Review status: criteria provided, single submitter. Criteria: ACMG Guidelines, 2015. Collection method: clinical testing. Allele origin: germline. Affected: no.

GeneDx
Classification: Benign. Last evaluated: 2018-09-04. Review status: criteria provided, single submitter. Criteria: GeneDx Variant Classification Process June 2021. Collection method: clinical testing. Allele origin: germline. Affected: yes.
Comment: This variant is associated with the following publications: (PMID: 19462466, 10523338, 15069064, 16249274)

Illumina Laboratory Services, Illumina
Classification: Benign for Pseudohypoaldosteronism, type IB1, autosomal recessive. Last evaluated: 2017-04-27. Review status: criteria provided, single submitter. Criteria: ICSL Variant Classification Criteria 13 December 2019. Collection method: clinical testing. Allele origin: germline.
Comment: This variant was observed as part of a predisposition screen in an ostensibly healthy population. A literature search was performed for the gene, cDNA change, and amino acid change (where applicable). No publications were found based on this search. Allele frequency data from public databases was too high to be consistent with this variant causing disease. Therefore, this variant is classified as benign.

Illumina Laboratory Services, Illumina
Classification: Benign for Bronchiectasis with or without elevated sweat chloride 2. Last evaluated: 2017-04-27. Review status: criteria provided, single submitter. Criteria: ICSL Variant Classification Criteria 13 December 2019. Collection method: clinical testing. Allele origin: germline.
Comment: This variant was observed as part of a predisposition screen in an ostensibly healthy population. A literature search was performed for the gene, cDNA change, and amino acid change (where applicable). Publications were found based on this search. The evidence from the literature, in combination with allele frequency data from public databases where available, was sufficient to rule this variant out of causing disease. Therefore, this variant is classified as benign.

Eurofins Ntd Llc (ga)
Classification: Benign. Last evaluated: 2015-03-05. Review status: criteria provided, single submitter. Criteria: EGL Classification Definitions 2015. Collection method: clinical testing. Allele origin: germline. Observed: 46 variant alleles, 22 heterozygotes, 24 homozygotes.

Laboratory for Molecular Medicine, Mass General Brigham Personalized Medicine
Classification: Benign. Last evaluated: 2013-06-11. Review status: criteria provided, single submitter. Criteria: LMM Criteria. Collection method: clinical testing. Allele origin: germline. Observed: 95 variant alleles.
Comment: Benign based on allele frequency. A single GWAS study comparing nenoates with s mall intestinal atresia to controls. The variant is reported to correlate with blood pressure (OR 0.7, 95% CI 0.4-1.3). This is insufficient to warrant inclus ion on a Mendelian report

Breakthrough Genomics
Classification: Benign. Review status: criteria provided, single submitter. Criteria: ACMG Guidelines, 2015. Collection method: not provided. Allele origin: germline. Inheritance: Autosomal recessive inheritance. Affected: yes.

PreventionGenetics, part of Exact Sciences
Classification: Benign. Review status: criteria provided, single submitter. Criteria: ACMG Guidelines, 2015. Collection method: clinical testing. Allele origin: germline.

Diagnostic Laboratory, Department of Genetics, University Medical Center Groningen
Classification: Benign. Review status: no assertion criteria provided. Collection method: clinical testing. Allele origin: germline. Affected: yes. Study: VKGL Data-share Consensus. Not counted in ClinVar's aggregate classification.

Joint Genome Diagnostic Labs from Nijmegen and Maastricht, Radboudumc and MUMC+
Classification: Benign. Review status: no assertion criteria provided. Collection method: clinical testing. Allele origin: germline. Affected: yes. Study: VKGL Data-share Consensus. Not counted in ClinVar's aggregate classification.

Literature cited by the submitters: PubMed 10523338 (cited by Illumina Laboratory Services, Illumina); PubMed 21889619 (cited by Illumina Laboratory Services, Illumina); PubMed 1506904 (cited by Illumina Laboratory Services, Illumina); PubMed 23149595 (cited by Illumina Laboratory Services, Illumina).